The following is an entry in ClinVar:

ClinVar aggregate classification (germline): Benign/Likely benign. Review status: criteria provided, multiple submitters, no conflicts (2 of 4 stars). 7 submissions from 7 submitters: Benign (1); Likely benign (6). Last evaluated 2026-09-01.

Conditions:
Ullrich congenital muscular dystrophy 2 (UCMD2). Identifiers: Orphanet 75840, MedGen C4225314, MONDO:0014654, OMIM 616470.
Bethlem myopathy 2 (BTHLM2). Identifiers: Orphanet 536516, Orphanet 610, MedGen C4225313, MONDO:0034022, OMIM 616471.

Allele frequency attached by ClinVar (database versions not stated): gnomAD exomes 0.00034 and 0.00089; ExAC 0.00111; 1000 Genomes Project 30x 0.00172; 1000 Genomes Project 0.00200; gnomAD 0.00381 and 0.00420; ESP Exome Variant Server 0.00391; TOPMed 0.00437.
gnomAD v4.1: 1,114 of 1,613,324 alleles (0.069%); highest among the groups gnomAD compares: African/African-American, 1.3%; 7 homozygotes.

Submissions (7):

CeGaT Center for Human Genetics Tuebingen
Classification: Likely benign. Last evaluated: 2026-09-01. Review status: criteria provided, single submitter. Criteria: CeGaT Center For Human Genetics Tuebingen Variant Classification Criteria Version 2. Collection method: clinical testing. Allele origin: germline. Affected: yes. Observed: 2 variant alleles.
Comment: COL12A1: BP4, BP7, BS1

Labcorp Genetics (formerly Invitae), Labcorp
Classification: Benign for Bethlem myopathy 2; Ullrich congenital muscular dystrophy 2. Last evaluated: 2026-02-02. Review status: criteria provided, single submitter. Criteria: Invitae Variant Classification Sherloc (09022015). Collection method: clinical testing. Allele origin: germline.

Women's Health and Genetics/Laboratory Corporation of America, LabCorp
Classification: Likely benign. Last evaluated: 2026-01-22. Review status: criteria provided, single submitter. Criteria: LabCorp Variant Classification Summary - May 2015. Collection method: clinical testing. Allele origin: germline.

Blueprint Genetics
Classification: Likely benign. Last evaluated: 2024-09-09. Review status: criteria provided, single submitter. Criteria: ACMG Guidelines, 2015. Collection method: clinical testing. Allele origin: germline.

Mayo Clinic Laboratories, Mayo Clinic
Classification: Likely benign. Last evaluated: 2024-08-14. Review status: criteria provided, single submitter. Criteria: ACMG Guidelines, 2015. Collection method: clinical testing. Allele origin: germline. Observed: 7 variant alleles.
Comment: BS1, BP4, BP7

GeneDx
Classification: Likely benign. Last evaluated: 2020-06-19. Review status: criteria provided, single submitter. Criteria: GeneDx Variant Classification Process June 2021. Collection method: clinical testing. Allele origin: germline. Affected: yes.

PreventionGenetics, part of Exact Sciences
Classification: Likely benign. Review status: criteria provided, single submitter. Criteria: ACMG Guidelines, 2015. Collection method: clinical testing. Allele origin: germline.

NM_004370.6(COL12A1):c.4245T>C (p.Tyr1415=)

Gene: COL12A1 (collagen type XII alpha 1 chain; minus strand). Cytogenetic location: 6q13.
Variant type: single nucleotide variant.
Coding change: c.4245T>C on transcript NM_004370.6 (MANE Select); coding-DNA position 4245, T replaced by C.
Protein change: p.Tyr1415=; no amino-acid change (tyrosine 1415 retained).
Molecular consequence: synonymous variant.
Genome position (GRCh38, 1-based): chr6:75,148,400, A>G on the plus strand (T>C on the coding strand, the complement: COL12A1 is on the minus strand). VCF-style: chr6-75148400-A-G. GRCh37 (hg19) VCF-style: chr6-75858116-A-G.
Other names: p.Tyr1415=; c.753T>C, p.Tyr251= (NM_080645.3).
Identifiers: ClinVar variation 259331 (VCV000259331.47), dbSNP rs34830422, ClinGen allele CA3893503.